The following is an entry in ClinVar:

ClinVar aggregate classification (germline): Uncertain significance. Review status: criteria provided, multiple submitters, no conflicts (2 of 4 stars). 3 submissions from 3 submitters: Uncertain significance (3). Last evaluated 2025-08-09.

Allele frequency attached by ClinVar (database versions not stated): gnomAD exomes below 0.00001; gnomAD 0.00003 and 0.00004; TOPMed 0.00003.
gnomAD v4.1: 11 of 1,613,840 alleles (0.00068%); highest among the groups gnomAD compares: Non-Finnish European, 0.00093%; no homozygotes.

Submissions (3):

Ambry Genetics
Classification: Uncertain significance. Last evaluated: 2025-08-09. Review status: criteria provided, single submitter. Criteria: Ambry Variant Classification Scheme 2023. Collection method: clinical testing. Allele origin: germline.

Labcorp Genetics (formerly Invitae), Labcorp
Classification: Uncertain significance. Last evaluated: 2024-11-13. Review status: criteria provided, single submitter. Criteria: Invitae Variant Classification Sherloc (09022015). Collection method: clinical testing. Allele origin: germline.
Comment: This sequence change replaces proline, which is neutral and non-polar, with leucine, which is neutral and non-polar, at codon 712 of the RNF43 protein (p.Pro712Leu). This variant is present in population databases (no rsID available, gnomAD 0.007%). This variant has not been reported in the literature in individuals affected with RNF43-related conditions. ClinVar contains an entry for this variant (Variation ID: 1444346). An algorithm developed to predict the effect of missense changes on protein structure and function (PolyPhen-2) suggests that this variant is likely to be tolerated. In summary, the available evidence is currently insufficient to determine the role of this variant in disease. Therefore, it has been classified as a Variant of Uncertain Significance.

GeneDx
Classification: Uncertain significance. Last evaluated: 2024-10-07. Review status: criteria provided, single submitter. Criteria: GeneDx Variant Classification Process June 2021. Collection method: clinical testing. Allele origin: germline.
Comment: Not observed at significant frequency in large population cohorts (gnomAD); In silico analysis supports that this missense variant has a deleterious effect on protein structure/function; Has not been previously published as pathogenic or benign to our knowledge

NM_017763.6(RNF43):c.2135C>T (p.Pro712Leu)

Gene: RNF43 (ring finger protein 43; minus strand). Cytogenetic location: 17q22.
Variant type: single nucleotide variant.
Coding change: c.2135C>T on transcript NM_017763.6 (MANE Select); coding-DNA position 2135, C replaced by T.
Protein change: p.Pro712Leu; replaces proline 712 with leucine.
Molecular consequence: missense variant.
Genome position (GRCh38, 1-based): chr17:58,357,641, G>A on the plus strand (C>T on the coding strand, the complement: RNF43 is on the minus strand). VCF-style: chr17-58357641-G-A. GRCh37 (hg19) VCF-style: chr17-56435002-G-A.
Other names: c.2135C>T, p.Pro712Leu (NM_001305544.3); c.1754C>T, p.Pro585Leu (NM_001305545.2); short protein forms P712L, P585L.
Identifiers: ClinVar variation 1444346 (VCV001444346.11), dbSNP rs1054570594, ClinGen allele CA292030450.